The following is an entry in ClinVar:

ClinVar aggregate classification (germline): Likely pathogenic (1 of 4 stars; one submission).

Conditions:
Complex cortical dysplasia with other brain malformations 4. Identifiers: MedGen C3809420, MONDO:0014171, OMIM 615412.

Submission:

Greenwood Genetic Center Diagnostic Laboratories, Greenwood Genetic Center
Classification: Likely pathogenic for Complex cortical dysplasia with other brain malformations 4. Last evaluated: 2022-05-05. Review status: criteria provided, single submitter. Criteria: ACMG Guidelines, 2015. Collection method: clinical testing. Allele origin: germline. Affected: yes.
Comment: PS2, PM2, PP2, PP3

NM_001070.5(TUBG1):c.725C>T (p.Thr242Ile)

Gene: TUBG1 (tubulin gamma 1; plus strand). Cytogenetic location: 17q21.2.
Variant type: single nucleotide variant.
Coding change: c.725C>T on transcript NM_001070.5 (MANE Select); coding-DNA position 725, C replaced by T.
Protein change: p.Thr242Ile; replaces threonine 242 with isoleucine.
Molecular consequence: missense variant.
Genome position (GRCh38, 1-based): chr17:42,613,880, C>T. VCF-style: chr17-42613880-C-T. GRCh37 (hg19) VCF-style: chr17-40765898-C-T.
Other names: short protein forms T242I.
Identifiers: ClinVar variation 1703182 (VCV001703182.3), dbSNP rs2510735739, ClinGen allele CA399626447.